The following is an entry in ClinVar:

ClinVar aggregate classification (germline): Likely benign. Review status: criteria provided, multiple submitters, no conflicts (2 of 4 stars). 3 submissions from 3 submitters: Likely benign (2). 1 of the submissions does not count toward it. Last evaluated 2026-09-01.

Conditions:
CTNNA2-related disorder. Also called: CTNNA2-related condition.

Allele frequency attached by ClinVar (database versions not stated): 1000 Genomes Project 0.00040; ExAC 0.00043; gnomAD exomes 0.00046; 1000 Genomes Project 30x 0.00047; TOPMed 0.00061; gnomAD 0.00063; ESP Exome Variant Server 0.00073.
gnomAD v4.1: 1,260 of 1,613,476 alleles (0.078%); highest among the groups gnomAD compares: Non-Finnish European, 0.099%; no homozygotes.

Submissions (3):

CeGaT Center for Human Genetics Tuebingen
Classification: Likely benign. Last evaluated: 2026-09-01. Review status: criteria provided, single submitter. Criteria: CeGaT Center For Human Genetics Tuebingen Variant Classification Criteria Version 2. Collection method: clinical testing. Allele origin: germline. Affected: yes. Observed: 2 variant alleles.
Comment: CTNNA2: BP4, BP7

Labcorp Genetics (formerly Invitae), Labcorp
Classification: Likely benign. Last evaluated: 2019-12-31. Review status: criteria provided, single submitter. Criteria: Invitae Variant Classification Sherloc (09022015). Collection method: clinical testing. Allele origin: germline.

PreventionGenetics, part of Exact Sciences
Classification: Likely benign for CTNNA2-related condition. Last evaluated: 2021-12-03. Review status: no assertion criteria provided. Collection method: clinical testing. Allele origin: germline. Not counted in ClinVar's aggregate classification.
Comment: This variant is classified as likely benign based on ACMG/AMP sequence variant interpretation guidelines (Richards et al. 2015 PMID: 25741868, with internal and published modifications).

NM_001282597.3(CTNNA2):c.1200A>G (p.Leu400=)

Gene: CTNNA2 (catenin alpha 2; plus strand). Cytogenetic location: 2p12.
Variant type: single nucleotide variant.
Coding change: c.1200A>G on transcript NM_001282597.3 (MANE Select); coding-DNA position 1200, A replaced by G.
Protein change: p.Leu400=; no amino-acid change (leucine 400 retained).
Molecular consequence: synonymous variant.
Genome position (GRCh38, 1-based): chr2:80,419,511, A>G. VCF-style: chr2-80419511-A-G. GRCh37 (hg19) VCF-style: chr2-80646636-A-G.
Other names: c.1200A>G, p.Leu400= (NM_001164883.2, NM_004389.4); c.1302A>G, p.Leu434= (NM_001282598.2); c.237A>G, p.Leu79= (NM_001282599.2); c.96A>G, p.Leu32= (NM_001282600.2, NM_001320810.2); c.1200A>G (NM_001282597.2).
Identifiers: ClinVar variation 727018 (VCV000727018.14), dbSNP rs35181295, ClinGen allele CA1735573.